The following is an entry in ClinVar:

ClinVar aggregate classification (germline): Conflicting classifications of pathogenicity. Review status: criteria provided, conflicting classifications (1 of 4 stars). 3 submissions from 3 submitters: Likely pathogenic (1); Uncertain significance (2). Last evaluated 2024-10-23.

Conditions:
Intellectual developmental disorder, autosomal dominant 44, with microcephaly. Also called: Micrognathia-recurrent infections-behavioral abnormalities-mild intellectual disability syndrome; TRIO-Related Intellectual Disability. Identifiers: Orphanet 476126, MedGen C4310740, MONDO:0014892, OMIM 617061.

Submissions (3):

Victorian Clinical Genetics Services, Murdoch Childrens Research Institute
Classification: Likely pathogenic for Intellectual developmental disorder, autosomal dominant 44, with microcephaly. Last evaluated: 2024-10-23. Review status: criteria provided, single submitter. Criteria: ACMG Guidelines, 2015. Collection method: clinical testing. Allele origin: germline.
Comment: This variant is classified as Likely pathogenic. Evidence in support of pathogenic classification: Variant is predicted to cause nonsense-mediated decay (NMD) and loss of protein (premature termination codon is located at least 54 nucleotides upstream of the final exon-exon junction); Variant is absent from gnomAD (both v2 and v3). Three heterozygotes were listed in gnomAD v2, however they did not pass quality control in gnomAD; Other premature termination variants comparable to the one identified in this case have very strong previous evidence for pathogenicity. Many NMD-predicted variants in this gene have been reported as likely pathogenic/pathogenic, or in individuals with neurodevelopmental disorders (ClinVar, PMID: 32109419). Additional information: This variant is heterozygous; This gene is associated with autosomal dominant disease; Previous evidence of pathogenicity for this variant is inconclusive. It has been reported as a VUS by two clinical laboratories (ClinVar). In one of those laboratories, this variant was identified in an individual who underwent testing due to autism, developmental delays and ADHD, and was inherited from an asymptomatic mother (personal communication); No published segregation evidence has been identified for this variant; No published functional evidence has been identified for this variant; Both loss- and gain-of-function are known mechanisms of disease for this gene. Loss-of-function variants and missense within the RhoGEF domain are associated with microcephaly while gain-of-function missense within the 7th spectrin repeat are associated with macrocephaly (PMID: 32109419); Variants in this gene are known to have variable expressivity. Variable disease severity has been reported in individuals with loss of function variants in this gene (PMIDs: 26721934, 28796471, 33167890).

GeneDx
Classification: Uncertain significance. Last evaluated: 2023-02-15. Review status: criteria provided, single submitter. Criteria: GeneDx Variant Classification Process June 2021. Collection method: clinical testing. Allele origin: germline. Affected: yes.
Comment: Frameshift variant predicted to result in protein truncation or nonsense mediated decay in a gene for which loss of function is a known mechanism of disease; Has not been previously published as pathogenic or benign to our knowledge

Eurofins Ntd Llc (ga)
Classification: Uncertain significance. Last evaluated: 2017-04-14. Review status: criteria provided, single submitter. Criteria: EGL Classification Definitions 2015. Collection method: clinical testing. Allele origin: germline. Observed: 1 variant allele, 1 heterozygote.

Literature cited by the submitters: PubMed 26721934 (cited by Victorian Clinical Genetics Services, Murdoch Childrens Research Institute); PubMed 33167890 (cited by Victorian Clinical Genetics Services, Murdoch Childrens Research Institute); PubMed 32109419 (cited by Victorian Clinical Genetics Services, Murdoch Childrens Research Institute); PubMed 28796471 (cited by Victorian Clinical Genetics Services, Murdoch Childrens Research Institute).

NM_007118.3(TRIO):c.7425dup (p.Ser2476Glnfs)

Gene: TRIO (trio Rho guanine nucleotide exchange factor; plus strand). Cytogenetic location: 5p15.2.
Variant type: Duplication.
Coding change: c.7425dup on transcript NM_007118.3; coding-DNA position 7425, one base duplicated (C; older notation c.7425dupC).
Protein change: p.Ser2476Glnfs; shifts the reading frame from serine 2476.
Molecular consequence: frameshift variant (on NM_007118.4).
Genome position (GRCh38, 1-based): chr5:14,488,053, C duplicated; the last of 7 consecutive C bases (chr5:14,488,047-14,488,053); duplicating any one gives the same sequence. VCF-style (leftmost placement, unchanged base first): chr5-14488046-T-TC. GRCh37 (hg19) VCF-style: chr5-14488155-T-TC.
Other names: c.7425dup (NM_007118.2); c.7425dup, p.Ser2476fs (NM_007118.4); c.7425dupC (NM_007118.3); short protein forms S2476fs.
Identifiers: ClinVar variation 501476 (VCV000501476.9), dbSNP rs774597492, ClinGen allele CA558340849.
Genomic context (GRCh38, chr5:14,488,046, plus strand): 5'-CCGCTTCGCCGCTGAACTCGCCGCTCTCCAGCGCGGTCCCTTCTCTCGGCAAGGAGCCCT[T>TC]CCCCCCCAGCAGCCCCCTGCAGAAGGGGGGCTCCTTCTGGAGCTCCATCCCCGCCTCCCC-3'